The following is an entry in ClinVar:

ClinVar aggregate classification (germline): Likely benign. Review status: criteria provided, multiple submitters, no conflicts (2 of 4 stars). 3 submissions from 3 submitters: Likely benign (3). Last evaluated 2024-03-01.

Conditions:
Inborn genetic diseases. Identifiers: MedGen C0950123, MeSH D030342.

Allele frequency attached by ClinVar (database versions not stated): gnomAD exomes below 0.00001; gnomAD 0.00002; TOPMed 0.00002.
gnomAD v4.1: 9 of 1,613,958 alleles (0.00056%); highest among the groups gnomAD compares: African/African-American, 0.012%; no homozygotes.

Submissions (3):

CeGaT Center for Human Genetics Tuebingen
Classification: Likely benign. Last evaluated: 2024-03-01. Review status: criteria provided, single submitter. Criteria: CeGaT Center For Human Genetics Tuebingen Variant Classification Criteria Version 2. Collection method: clinical testing. Allele origin: germline. Affected: yes. Observed: 1 variant allele.
Comment: SMC3: BP4, BP7

Blueprint Genetics
Classification: Likely benign. Last evaluated: 2022-08-01. Review status: criteria provided, single submitter. Criteria: ACMG Guidelines, 2015. Collection method: clinical testing. Allele origin: germline.

Ambry Genetics
Classification: Likely benign for Inborn genetic diseases. Last evaluated: 2017-06-12. Review status: criteria provided, single submitter. Criteria: Ambry Variant Classification Scheme 2023. Collection method: clinical testing. Allele origin: germline.

NM_005445.4(SMC3):c.2343G>A (p.Leu781=)

Gene: SMC3 (structural maintenance of chromosomes 3; plus strand). Cytogenetic location: 10q25.2.
Variant type: single nucleotide variant.
Coding change: c.2343G>A on transcript NM_005445.4 (MANE Select); coding-DNA position 2343, G replaced by A.
Protein change: p.Leu781=; no amino-acid change (leucine 781 retained).
Molecular consequence: synonymous variant.
Genome position (GRCh38, 1-based): chr10:110,599,728, G>A. VCF-style: chr10-110599728-G-A. GRCh37 (hg19) VCF-style: chr10-112359486-G-A.
Identifiers: ClinVar variation 589233 (VCV000589233.26), dbSNP rs1189519944, ClinGen allele CA471377259.